The following is an entry in ClinVar:

NM_006231.4(POLE):c.3669AGC[3] (p.Ala1225dup)

Gene: POLE (DNA polymerase epsilon, catalytic subunit; minus strand). Cytogenetic location: 12q24.33.
Variant type: Microsatellite.
Coding change: c.3669AGC[3] on transcript NM_006231.4 (MANE Select); three copies in a row of the 3-base unit AGC starting at c.3669; the reference has two copies in a row; one copy, 3 bases duplicated; also written c.3672_3674dup.
Protein change: p.Ala1225dup; duplicates alanine 1225.
Molecular consequence: inframe insertion.
Genome position (GRCh38, 1-based): chr12:132,649,798-132,649,800, GCT duplicated on the plus strand (AGC on the coding strand, the reverse complement: POLE is on the minus strand); duplicating any 3 consecutive bases within chr12:132,649,798-132,649,804 gives the same sequence; the position shown is the placement nearest the transcript's 3' end. VCF-style (leftmost placement, unchanged base first): chr12-132649797-G-GGCT. GRCh37 (hg19) VCF-style: chr12-133226383-G-GGCT.
Other names: c.3672_3674dupAGC (NM_006231.4, NM_006231.3); c.3672_3674dup (NM_006231.2).
Identifiers: ClinVar variation 240474 (VCV000240474.32), dbSNP rs750939989, ClinGen allele CA6893143.

ClinVar aggregate classification (germline): Uncertain significance. Review status: criteria provided, multiple submitters, no conflicts (2 of 4 stars). 8 submissions from 8 submitters: Uncertain significance (7). 1 of the submissions does not count toward it. Last evaluated 2026-01-05.

Conditions:
Hereditary cancer-predisposing syndrome. Also called: Hereditary Cancer Syndrome; Tumor predisposition; Hereditary neoplastic syndrome; Neoplastic Syndromes, Hereditary. Identifiers: Orphanet 140162, MedGen C0027672, MeSH D009386, MONDO:0015356.
Colorectal cancer, susceptibility to, 12 (CRCS12). Also called: COLORECTAL CANCER, SUSCEPTIBILITY TO, ON CHROMOSOME 12q24. Identifiers: Orphanet 220460, MedGen C3554460, MONDO:0014038, OMIM 615083.

Submissions (8):

Women's Health and Genetics/Laboratory Corporation of America, LabCorp
Classification: Uncertain significance. Last evaluated: 2026-01-05. Review status: criteria provided, single submitter. Criteria: LabCorp Variant Classification Summary - May 2015. Collection method: clinical testing. Allele origin: germline.
Comment: Variant summary: POLE c.3672_3674dupAGC (p.Ala1225dup) results in an in-frame duplication that is predicted to duplicate one amino acid into the encoded protein. The variant allele was found at a frequency of 2.4e-05 in 251384 control chromosomes. The available data on variant occurrences in the general population are insufficient to allow any conclusion about variant significance. To our knowledge, no occurrence of c.3672_3674dupAGC in individuals affected with POLE-related conditions and no experimental evidence demonstrating its impact on protein function have been reported. ClinVar contains an entry for this variant (Variation ID: 240474). Based on the evidence outlined above, the variant was classified as uncertain significance.

Center for Genomic Medicine, Rigshospitalet, Copenhagen University Hospital
Classification: Uncertain significance. Last evaluated: 2025-12-29. Review status: criteria provided, single submitter. Criteria: ACMG Guidelines, 2015. Collection method: clinical testing. Allele origin: germline.

Labcorp Genetics (formerly Invitae), Labcorp
Classification: Uncertain significance. Last evaluated: 2025-12-24. Review status: criteria provided, single submitter. Criteria: Invitae Variant Classification Sherloc (09022015). Collection method: clinical testing. Allele origin: germline.
Comment: This variant, c.3672_3674dup, results in the insertion of 1 amino acid(s) of the POLE protein (p.Ala1225dup), but otherwise preserves the integrity of the reading frame. This variant is present in population databases (rs750939989, gnomAD 0.006%). This variant has not been reported in the literature in individuals affected with POLE-related conditions. Experimental studies and prediction algorithms are not available or were not evaluated, and the functional significance of this variant is currently unknown. In summary, the available evidence is currently insufficient to determine the role of this variant in disease. Therefore, it has been classified as a Variant of Uncertain Significance.

Ambry Genetics
Classification: Uncertain significance for Hereditary cancer-predisposing syndrome. Last evaluated: 2024-12-18. Review status: criteria provided, single submitter. Criteria: Ambry Variant Classification Scheme 2023. Collection method: clinical testing. Allele origin: germline.
Comment: The c.3672_3674dupAGC variant (also known as p.A1225dup), located in coding exon 30 of the POLE gene, results from an in-frame duplication of AGC at nucleotide positions 3672 to 3674. This results in the duplication of an extra residue between codons 1225 and 1226. This amino acid position is poorly conserved in available vertebrate species. In addition, this alteration is predicted to be neutral by in silico analysis (Choi Y et al. PLoS ONE. 2012; 7(10):e46688). Based on the available evidence, the clinical significance of this variant remains unclear.

GeneDx
Classification: Uncertain significance. Last evaluated: 2024-04-30. Review status: criteria provided, single submitter. Criteria: GeneDx Variant Classification Process June 2021. Collection method: clinical testing. Allele origin: germline. Affected: yes.
Comment: In-frame duplication of 1 amino acid in a non-repeat region; Has not been previously published as pathogenic or benign to our knowledge; This variant is associated with the following publications: (PMID: 27720647)

Blueprint Genetics
Classification: Uncertain significance. Last evaluated: 2024-01-19. Review status: criteria provided, single submitter. Criteria: ACMG Guidelines, 2015. Collection method: clinical testing. Allele origin: germline.

Quest Diagnostics Nichols Institute San Juan Capistrano
Classification: Uncertain significance. Last evaluated: 2018-04-11. Review status: criteria provided, single submitter. Criteria: Quest Diagnostics criteria. Collection method: clinical testing. Allele origin: germline.

Counsyl
Classification: Uncertain significance for Colorectal cancer, susceptibility to, 12. Last evaluated: 2016-10-04. Review status: no assertion criteria provided. Collection method: clinical testing. Allele origin: unknown. Not counted in ClinVar's aggregate classification.